The following is an entry in ClinVar:

ClinVar aggregate classification (germline): Uncertain significance (1 of 4 stars; one submission).

Conditions:
Inclusion body myopathy with early-onset Paget disease with or without frontotemporal dementia 2 (IBMPFD2). Also called: MULTISYSTEM PROTEINOPATHY 2. Identifiers: MedGen C3809468, MONDO:0014178, OMIM 615422.

Submission:

Labcorp Genetics (formerly Invitae), Labcorp
Classification: Uncertain significance for Inclusion body myopathy with early-onset Paget disease with or without frontotemporal dementia 2. Last evaluated: 2025-01-15. Review status: criteria provided, single submitter. Criteria: Invitae Variant Classification Sherloc (09022015). Collection method: clinical testing. Allele origin: germline.
Comment: This sequence change creates a premature translational stop signal (p.Thr7Asnfs*16) in the HNRNPA2B1 gene. It is expected to result in an absent or disrupted protein product. However, the current clinical and genetic evidence is not sufficient to establish whether loss-of-function variants in HNRNPA2B1 cause disease. This variant is not present in population databases (gnomAD no frequency). This variant has not been reported in the literature in individuals affected with HNRNPA2B1-related conditions. Experimental studies and prediction algorithms are not available or were not evaluated, and the functional significance of this variant is currently unknown. In summary, the available evidence is currently insufficient to determine the role of this variant in disease. Therefore, it has been classified as a Variant of Uncertain Significance.

NM_002137.4(HNRNPA2B1):c.7-122dup

Gene: HNRNPA2B1 (heterogeneous nuclear ribonucleoprotein A2/B1; minus strand). Cytogenetic location: 7p15.2.
Variant type: Duplication.
Coding change: c.7-122dup on transcript NM_002137.4 (MANE Select); 122 bases into the intron before coding-DNA position 7, one base duplicated (A; older notation c.7-122dupA).
Molecular consequence: intron variant. On other transcripts: frameshift variant (1).
Genome position (GRCh38, 1-based): chr7:26,197,854, T duplicated on the plus strand (A on the coding strand, the reverse complement: HNRNPA2B1 is on the minus strand); the first of 3 consecutive T bases (chr7:26,197,854-26,197,856); duplicating any one gives the same sequence. VCF-style (leftmost placement, unchanged base first): chr7-26197853-G-GT. GRCh37 (hg19) VCF-style: chr7-26237473-G-GT.
Other names: c.17dup, p.Thr7Asnfs (NM_031243.4); short protein forms T7fs.
Identifiers: ClinVar variation 3713882 (VCV003713882.2).
Genomic context (GRCh38, chr7:26,197,853, plus strand): 5'-TAAATTCTTAAATATGAGGTGACCTGCTGGCAGAGTACCTTTTTCCTCTCCAAAGGAACA[G>GT]TTTCTAAAGTTTTCTGGGGGGAAAAAAAAAACTTACATCAAATTTAAACCATATGTTAAA-3'